The following is an entry in ClinVar:

ClinVar aggregate classification (germline): Uncertain significance. Review status: criteria provided, multiple submitters, no conflicts (2 of 4 stars). 2 submissions from 2 submitters: Uncertain significance (2). Last evaluated 2026-05-17.

Conditions:
Hereditary cancer-predisposing syndrome. Also called: Hereditary Cancer Syndrome; Neoplastic Syndromes, Hereditary; Hereditary neoplastic syndrome; Tumor predisposition. Identifiers: Orphanet 140162, MedGen C0027672, MeSH D009386, MONDO:0015356.
Familial meningioma. Also called: Meningioma, familial, susceptibility to. Identifiers: Orphanet 263662, MedGen C3551915, MONDO:0011789, OMIM 607174.

Allele frequency attached by ClinVar (database versions not stated): TOPMed 0.00001.

Submissions (2):

Ambry Genetics
Classification: Uncertain significance for Hereditary cancer-predisposing syndrome. Last evaluated: 2026-05-17. Review status: criteria provided, single submitter. Criteria: Ambry Variant Classification Scheme 2023. Collection method: clinical testing. Allele origin: germline.
Comment: The p.K332R variant (also known as c.995A>G), located in coding exon 9 of the SMARCE1 gene, results from an A to G substitution at nucleotide position 995. The lysine at codon 332 is replaced by arginine, an amino acid with highly similar properties. This amino acid position is conserved. In addition, this alteration is predicted to be tolerated by in silico analysis. Based on the available evidence, the clinical significance of this variant remains unclear.

Labcorp Genetics (formerly Invitae), Labcorp
Classification: Uncertain significance for Familial meningioma. Last evaluated: 2022-08-27. Review status: criteria provided, single submitter. Criteria: Invitae Variant Classification Sherloc (09022015). Collection method: clinical testing. Allele origin: germline.
Comment: This sequence change replaces lysine, which is basic and polar, with arginine, which is basic and polar, at codon 332 of the SMARCE1 protein (p.Lys332Arg). In summary, the available evidence is currently insufficient to determine the role of this variant in disease. Therefore, it has been classified as a Variant of Uncertain Significance. Algorithms developed to predict the effect of missense changes on protein structure and function (SIFT, PolyPhen-2, Align-GVGD) all suggest that this variant is likely to be tolerated. This variant has not been reported in the literature in individuals affected with SMARCE1-related conditions. This variant is not present in population databases (gnomAD no frequency).

NM_003079.5(SMARCE1):c.995A>G (p.Lys332Arg)

Gene: SMARCE1 (SWI/SNF related BAF chromatin remodeling complex subunit E1; minus strand). Cytogenetic location: 17q21.2.
Variant type: single nucleotide variant.
Coding change: c.995A>G on transcript NM_003079.5 (MANE Select); coding-DNA position 995, A replaced by G.
Protein change: p.Lys332Arg; replaces lysine 332 with arginine.
Molecular consequence: missense variant.
Genome position (GRCh38, 1-based): chr17:40,630,746, T>C on the plus strand (A>G on the coding strand, the complement: SMARCE1 is on the minus strand). VCF-style: chr17-40630746-T-C. GRCh37 (hg19) VCF-style: chr17-38786998-T-C.
Other names: short protein forms K332R.
Identifiers: ClinVar variation 1718053 (VCV001718053.6), dbSNP rs766656583, ClinGen allele CA399363230.